The following is an entry in ClinVar:

ClinVar aggregate classification (germline): Benign; Affects. Review status: no assertion criteria provided (0 of 4 stars). 2 submissions from 2 submitters: Benign (1). Last evaluated 2023-12-29.

Conditions:
NAT2-related disorder. Also called: NAT2-related condition.
Slow acetylator due to N-acetyltransferase enzyme variant. Also called: SLOW ACETYLATOR PHENOTYPE; Acetylation, slow; INH INACTIVATION, SLOW; ISONIAZID INACTIVATION, SLOW. Identifiers: MedGen C0878587, MONDO:0009472, OMIM 243400.

Allele frequency attached by ClinVar (database versions not stated): 1000 Genomes Project 0.29273; 1000 Genomes Project 30x 0.29981; TOPMed 0.36962; gnomAD exomes 0.38050; ExAC 0.38462; gnomAD 0.38488.
gnomAD v4.1: 678,506 of 1,612,532 alleles (42%); highest among the groups gnomAD compares: Middle Eastern, 45%; 148,423 homozygotes.

Submissions (2):

PreventionGenetics, part of Exact Sciences
Classification: Benign for NAT2-related condition. Last evaluated: 2023-12-29. Review status: no assertion criteria provided. Collection method: clinical testing. Allele origin: germline.
Comment: This variant is classified as benign based on ACMG/AMP sequence variant interpretation guidelines (Richards et al. 2015 PMID: 25741868, with internal and published modifications).

OMIM
Classification: Affects for ACETYLATION, SLOW. Last evaluated: 2008-02-01. Review status: no assertion criteria provided. Collection method: literature only. Allele origin: germline.

Literature cited by the submitters: PubMed 2068113 (cited by OMIM); PubMed 18043717 (cited by OMIM); PubMed 16416399 (cited by OMIM); PubMed 12351146 (cited by OMIM); PubMed 18334921 (cited by OMIM).

NM_000015.2(NAT2):c.341T>C (p.Ile114Thr)

Gene: NAT2 (N-acetyltransferase 2; plus strand). Cytogenetic location: 8p22.
Variant type: single nucleotide variant.
Coding change: c.341T>C on transcript NM_000015.2; coding-DNA position 341, T replaced by C.
Protein change: p.Ile114Thr; replaces isoleucine 114 with threonine.
Molecular consequence: missense variant (on NM_000015.3).
Genome position (GRCh38, 1-based): chr8:18,400,344, T>C. VCF-style: chr8-18400344-T-C. GRCh37 (hg19) VCF-style: chr8-18257854-T-C.
Other names: c.341T>C, p.Ile114Thr (NM_000015.3); short protein forms I114T.
Identifiers: ClinVar variation 723 (VCV000000723.4), dbSNP rs1801280, ClinGen allele CA114449.
Genomic context (GRCh38, chr8:18,400,344, plus strand): 5'-ACATCCCTCCAGTTAACAAATACAGCACTGGCATGGTTCACCTTCTCCTGCAGGTGACCA[T>C]TGACGGCAGGAATTACATTGTCGATGCTGGGTCTGGAAGCTCCTCCCAGATGTGGCAGCC-3'
Protein context (NP_000006.2, residues 104-124): GMVHLLLQVT[Ile114Thr]DGRNYIVDAG